The following is an entry in ClinVar:

NM_152594.3(SPRED1):c.1147T>C (p.Ser383Pro)

Gene: SPRED1 (sprouty related EVH1 domain containing 1; plus strand). Cytogenetic location: 15q14.
Variant type: single nucleotide variant.
Coding change: c.1147T>C on transcript NM_152594.3 (MANE Select); coding-DNA position 1147, T replaced by C.
Protein change: p.Ser383Pro; replaces serine 383 with proline.
Molecular consequence: missense variant.
Genome position (GRCh38, 1-based): chr15:38,351,476, T>C. VCF-style: chr15-38351476-T-C. GRCh37 (hg19) VCF-style: chr15-38643677-T-C.
Other names: c.1147T>C (NM_152594.2); short protein forms S383P.
Identifiers: ClinVar variation 2167737 (VCV002167737.4), dbSNP rs755208632, ClinGen allele CA7470234.

ClinVar aggregate classification (germline): Uncertain significance. Review status: criteria provided, multiple submitters, no conflicts (2 of 4 stars). 2 submissions from 2 submitters: Uncertain significance (2). Last evaluated 2023-05-16.

Conditions:
Legius syndrome. Identifiers: Orphanet 137605, MedGen C1969623, MONDO:0012669, OMIM 611431. Disease mechanism: loss of function.
Cardiovascular phenotype. Identifiers: MedGen CN230736.

Allele frequency attached by ClinVar (database versions not stated): gnomAD exomes below 0.00001; ExAC 0.00001; TOPMed 0.00001.
gnomAD v4.1: 5 of 1,614,160 alleles (0.00031%); highest among the groups gnomAD compares: Middle Eastern, 0.016%; no homozygotes.

Submissions (2):

Labcorp Genetics (formerly Invitae), Labcorp
Classification: Uncertain significance for Legius syndrome. Last evaluated: 2023-05-16. Review status: criteria provided, single submitter. Criteria: Invitae Variant Classification Sherloc (09022015). Collection method: clinical testing. Allele origin: germline.
Comment: This variant has not been reported in the literature in individuals affected with SPRED1-related conditions. In summary, the available evidence is currently insufficient to determine the role of this variant in disease. Therefore, it has been classified as a Variant of Uncertain Significance. Advanced modeling of protein sequence and biophysical properties (such as structural, functional, and spatial information, amino acid conservation, physicochemical variation, residue mobility, and thermodynamic stability) performed at Invitae indicates that this missense variant is not expected to disrupt SPRED1 protein function. ClinVar contains an entry for this variant (Variation ID: 2167737). This variant is present in population databases (rs755208632, gnomAD 0.0009%). This sequence change replaces serine, which is neutral and polar, with proline, which is neutral and non-polar, at codon 383 of the SPRED1 protein (p.Ser383Pro).

Ambry Genetics
Classification: Uncertain significance for Cardiovascular phenotype. Last evaluated: 2023-05-13. Review status: criteria provided, single submitter. Criteria: Ambry Variant Classification Scheme 2023. Collection method: clinical testing. Allele origin: germline.
Comment: The p.S383P variant (also known as c.1147T>C), located in coding exon 7 of the SPRED1 gene, results from a T to C substitution at nucleotide position 1147. The serine at codon 383 is replaced by proline, an amino acid with similar properties. This amino acid position is conserved. In addition, this alteration is predicted to be tolerated by in silico analysis. Since supporting evidence is limited at this time, the clinical significance of this alteration remains unclear.